The following is an entry in ClinVar:

ClinVar aggregate classification (germline): Uncertain significance (1 of 4 stars; one submission).

Conditions:
Primary ciliary dyskinesia. Also called: Ciliary dyskinesia. Identifiers: Orphanet 244, MedGen C0008780, MONDO:0016575, HP:0012265.

Submission:

Labcorp Genetics (formerly Invitae), Labcorp
Classification: Uncertain significance for Primary ciliary dyskinesia. Last evaluated: 2023-07-17. Review status: criteria provided, single submitter. Criteria: Invitae Variant Classification Sherloc (09022015). Collection method: clinical testing. Allele origin: germline.
Comment: In summary, the available evidence is currently insufficient to determine the role of this variant in disease. Therefore, it has been classified as a Variant of Uncertain Significance. Advanced modeling of protein sequence and biophysical properties (such as structural, functional, and spatial information, amino acid conservation, physicochemical variation, residue mobility, and thermodynamic stability) performed at Invitae indicates that this missense variant is not expected to disrupt RPGR protein function. This variant has not been reported in the literature in individuals affected with RPGR-related conditions. This variant is not present in population databases (gnomAD no frequency). This sequence change replaces glutamic acid, which is acidic and polar, with glycine, which is neutral and non-polar, at codon 670 of the RPGR protein (p.Glu670Gly).

NC_000023.11:g.38276669T>C

Gene: RPGR (retinitis pigmentosa GTPase regulator; minus strand). Cytogenetic location: Xp11.4.
Variant type: single nucleotide variant.
Molecular consequence: missense variant (on NM_000328.3). On other transcripts: non-coding transcript variant (6).
Genome position: GRCh38 VCF-style: chrX-38276669-T-C. GRCh37 (hg19) VCF-style: chrX-38135922-T-C.
Other names: c.2009A>G, p.Glu670Gly (NM_000328.3); c.2006A>G, p.Glu669Gly (NM_001367245.1); c.1823A>G, p.Glu608Gly (NM_001367246.1); c.1676A>G, p.Glu559Gly (NM_001367247.1); c.1706A>G, p.Glu569Gly (NM_001367248.1); c.1673A>G, p.Glu558Gly (NM_001367249.1, NM_001367250.1); c.1490A>G, p.Glu497Gly (NM_001367251.1); short protein forms E559G, E608G, E669G, E670G, E497G, E558G, E569G.
Identifiers: ClinVar variation 2742134 (VCV002742134.3), dbSNP rs2519757685, ClinGen allele CA412720982.